The following is an entry in ClinVar:

NM_000152.5(GAA):c.2110G>C (p.Ala704Pro)

Gene: GAA (alpha glucosidase; plus strand). Cytogenetic location: 17q25.3.
Variant type: single nucleotide variant.
Coding change: c.2110G>C on transcript NM_000152.5 (MANE Select); coding-DNA position 2110, G replaced by C.
Protein change: p.Ala704Pro; replaces alanine 704 with proline.
Molecular consequence: missense variant.
Genome position (GRCh38, 1-based): chr17:80,113,287, G>C. VCF-style: chr17-80113287-G-C. GRCh37 (hg19) VCF-style: chr17-78087086-G-C.
Other names: c.2110G>C, p.Ala704Pro (NM_001079803.3, NM_001079804.3); short protein forms A704P.
Identifiers: ClinVar variation 1469448 (VCV001469448.8), dbSNP rs375681364, ClinGen allele CA401370513.

ClinVar aggregate classification (germline): Uncertain significance (1 of 4 stars; one submission).

Conditions:
Glycogen storage disease, type II (IOPD). Also called: Glucosidase acid-1,4-alpha deficiency; Pompe Disease; Glycogen storage disease type 2; Acid maltase deficiency disease; Aglucosidase alfa; Deficiency of alpha-glucosidase. Identifiers: Orphanet 365, MedGen C0017921, MONDO:0009290, OMIM 232300.

Submission:

Labcorp Genetics (formerly Invitae), Labcorp
Classification: Uncertain significance for Glycogen storage disease, type II. Last evaluated: 2021-05-17. Review status: criteria provided, single submitter. Criteria: Invitae Variant Classification Sherloc (09022015). Collection method: clinical testing. Allele origin: germline.
Comment: This variant is not present in population databases (ExAC no frequency). In summary, the available evidence is currently insufficient to determine the role of this variant in disease. Therefore, it has been classified as a Variant of Uncertain Significance. Advanced modeling of protein sequence and biophysical properties (such as structural, functional, and spatial information, amino acid conservation, physicochemical variation, residue mobility, and thermodynamic stability) performed at Invitae indicates that this missense variant is expected to disrupt GAA protein function. This variant has not been reported in the literature in individuals with GAA-related conditions. This sequence change replaces alanine with proline at codon 704 of the GAA protein (p.Ala704Pro). The alanine residue is weakly conserved and there is a small physicochemical difference between alanine and proline.